The following is an entry in ClinVar:

NM_004252.5(NHERF1):c.463T>C (p.Cys155Arg)

Gene: NHERF1 (NHERF family PDZ scaffold protein 1; plus strand). Cytogenetic location: 17q25.1.
Variant type: single nucleotide variant.
Coding change: c.463T>C on transcript NM_004252.5 (MANE Select); coding-DNA position 463, T replaced by C.
Protein change: p.Cys155Arg; replaces cysteine 155 with arginine.
Molecular consequence: missense variant.
Genome position (GRCh38, 1-based): chr17:74,762,033, T>C. VCF-style: chr17-74762033-T-C. GRCh37 (hg19) VCF-style: chr17-72758172-T-C.
Other names: c.463T>C (NM_004252.3); short protein forms C155R.
Identifiers: ClinVar variation 2885239 (VCV002885239.4), dbSNP rs772669485, ClinGen allele CA8750604.

ClinVar aggregate classification (germline): Uncertain significance. Review status: criteria provided, multiple submitters, no conflicts (2 of 4 stars). 2 submissions from 2 submitters: Uncertain significance (2). Last evaluated 2024-09-08.

Conditions:
Inborn genetic diseases. Identifiers: MedGen C0950123, MeSH D030342.

Allele frequency attached by ClinVar (database versions not stated): gnomAD 0.00004; TOPMed 0.00005; ExAC 0.00006; gnomAD exomes 0.00007.
gnomAD v4.1: 120 of 1,613,974 alleles (0.0074%); highest among the groups gnomAD compares: Non-Finnish European, 0.0092%; no homozygotes.

Submissions (2):

Ambry Genetics
Classification: Uncertain significance for Inborn genetic diseases. Last evaluated: 2024-09-08. Review status: criteria provided, single submitter. Criteria: Ambry Variant Classification Scheme 2023. Collection method: clinical testing. Allele origin: germline.

Labcorp Genetics (formerly Invitae), Labcorp
Classification: Uncertain significance. Last evaluated: 2022-05-27. Review status: criteria provided, single submitter. Criteria: Invitae Variant Classification Sherloc (09022015). Collection method: clinical testing. Allele origin: germline.
Comment: In summary, the available evidence is currently insufficient to determine the role of this variant in disease. Therefore, it has been classified as a Variant of Uncertain Significance. Algorithms developed to predict the effect of missense changes on protein structure and function are either unavailable or do not agree on the potential impact of this missense change (SIFT: "Deleterious"; PolyPhen-2: "Probably Damaging"; Align-GVGD: "Class C0"). This variant is present in population databases (rs772669485, gnomAD 0.006%). This sequence change replaces cysteine, which is neutral and slightly polar, with arginine, which is basic and polar, at codon 155 of the SLC9A3R1 protein (p.Cys155Arg). This variant has not been reported in the literature in individuals affected with SLC9A3R1-related conditions.